The following is an entry in ClinVar:

NM_004924.6(ACTN4):c.2190+4C>T

Gene: ACTN4 (actinin alpha 4; plus strand). Cytogenetic location: 19q13.2.
Variant type: single nucleotide variant.
Coding change: c.2190+4C>T on transcript NM_004924.6 (MANE Select); 4 bases into the intron after coding-DNA position 2190, C replaced by T.
Molecular consequence: intron variant.
Genome position (GRCh38, 1-based): chr19:38,725,907, C>T. VCF-style: chr19-38725907-C-T. GRCh37 (hg19) VCF-style: chr19-39216547-C-T.
Other names: c.2190+4C>T (NM_001322033.2).
Identifiers: ClinVar variation 837586 (VCV000837586.11), dbSNP rs201878895, ClinGen allele CA9417890.
Genomic context (GRCh38, chr19:38,725,907, plus strand): 5'-CAGCTCATCCAGGAGGCCCTCATCTTCGACAACAAGCACACCAACTATACCATGGAGGTG[C>T]GCGGCTGCCCCGCCCGCTGGCCTTTCCACCAGCATGGCCGGCTTCCTCACTGGAAATGGT-3'

ClinVar aggregate classification (germline): Benign/Likely benign. Review status: criteria provided, multiple submitters, no conflicts (2 of 4 stars). 3 submissions from 3 submitters: Benign (1); Likely benign (1). 1 of the submissions does not count toward it. Last evaluated 2025-04-28.

Conditions:
ACTN4-related disorder. Also called: ACTN4-related condition.

Allele frequency attached by ClinVar (database versions not stated): 1000 Genomes Project 30x 0.00016; 1000 Genomes Project 0.00020; gnomAD exomes 0.00027 and 0.00032; ExAC 0.00028; ESP Exome Variant Server 0.00031; gnomAD 0.00033; TOPMed 0.00035.
gnomAD v4.1: 513 of 1,613,660 alleles (0.032%); highest among the groups gnomAD compares: Non-Finnish European, 0.038%; 1 homozygote.

Submissions (3):

Labcorp Genetics (formerly Invitae), Labcorp
Classification: Benign. Last evaluated: 2025-04-28. Review status: criteria provided, single submitter. Criteria: Invitae Variant Classification Sherloc (09022015). Collection method: clinical testing. Allele origin: germline.

Blueprint Genetics
Classification: Likely benign. Last evaluated: 2024-10-17. Review status: criteria provided, single submitter. Criteria: ACMG Guidelines, 2015. Collection method: clinical testing. Allele origin: germline.

PreventionGenetics, part of Exact Sciences
Classification: Likely benign for ACTN4-related condition. Last evaluated: 2019-02-22. Review status: no assertion criteria provided. Collection method: clinical testing. Allele origin: germline. Not counted in ClinVar's aggregate classification.
Comment: This variant is classified as likely benign based on ACMG/AMP sequence variant interpretation guidelines (Richards et al. 2015 PMID: 25741868, with internal and published modifications).